The following is an entry in ClinVar:

NM_004523.4(KIF11):c.1090G>T (p.Glu364Ter)

Gene: KIF11 (kinesin family member 11; plus strand). Cytogenetic location: 10q23.33.
Variant type: single nucleotide variant.
Coding change: c.1090G>T on transcript NM_004523.4 (MANE Select); coding-DNA position 1090, G replaced by T.
Protein change: p.Glu364Ter; replaces glutamic acid 364 with a stop codon.
Molecular consequence: nonsense.
Genome position (GRCh38, 1-based): chr10:92,616,794, G>T. VCF-style: chr10-92616794-G-T. GRCh37 (hg19) VCF-style: chr10-94376551-G-T.
Other names: short protein forms E364*.
Identifiers: ClinVar variation 1994791 (VCV001994791.4), dbSNP rs2492495279, ClinGen allele CA377590844.
Genomic context (GRCh38, chr10:92,616,794, plus strand): 5'-CAGGAAACTCTGAGTACATTGGAATATGCTCATAGAGCAAAGAACATATTGAATAAGCCT[G>T]AAGTGAATCAGAAACTCACCAAAAAAGCTCTTATTAAGGTAACTGTGAATTTTTGTAGAG-3'

ClinVar aggregate classification (germline): Pathogenic (1 of 4 stars; one submission).

Submission:

Labcorp Genetics (formerly Invitae), Labcorp
Classification: Pathogenic. Last evaluated: 2022-11-01. Review status: criteria provided, single submitter. Criteria: Invitae Variant Classification Sherloc (09022015). Collection method: clinical testing. Allele origin: germline.
Comment: For these reasons, this variant has been classified as Pathogenic. This variant has not been reported in the literature in individuals affected with KIF11-related conditions. This variant is not present in population databases (gnomAD no frequency). This sequence change creates a premature translational stop signal (p.Glu364*) in the KIF11 gene. It is expected to result in an absent or disrupted protein product. Loss-of-function variants in KIF11 are known to be pathogenic (PMID: 22284827, 24281367).

Literature cited by the submitters: PubMed 22284827; PubMed 24281367.